The following is an entry in ClinVar:

ClinVar aggregate classification (germline): Likely benign. Review status: criteria provided, multiple submitters, no conflicts (2 of 4 stars). 4 submissions from 4 submitters: Likely benign (3). 1 of the submissions does not count toward it. Last evaluated 2025-09-04.

Conditions:
DLL1-related disorder. Also called: DLL1-related condition.

Allele frequency attached by ClinVar (database versions not stated): gnomAD exomes 0.00009 and 0.00016; gnomAD 0.00011; TOPMed 0.00013; ExAC 0.00016; 1000 Genomes Project 0.00020; ESP Exome Variant Server 0.00023; 1000 Genomes Project 30x 0.00031.
gnomAD v4.1: 146 of 1,611,100 alleles (0.0091%); highest among the groups gnomAD compares: Middle Eastern, 0.033%; no homozygotes.

Submissions (4):

Labcorp Genetics (formerly Invitae), Labcorp
Classification: Likely benign. Last evaluated: 2025-09-04. Review status: criteria provided, single submitter. Criteria: Invitae Variant Classification Sherloc (09022015). Collection method: clinical testing. Allele origin: germline.

CeGaT Center for Human Genetics Tuebingen
Classification: Likely benign. Last evaluated: 2025-04-01. Review status: criteria provided, single submitter. Criteria: CeGaT Center For Human Genetics Tuebingen Variant Classification Criteria Version 2. Collection method: clinical testing. Allele origin: germline. Affected: yes. Observed: 2 variant alleles.
Comment: DLL1: BP4, BP7

Blueprint Genetics
Classification: Likely benign. Last evaluated: 2024-09-12. Review status: criteria provided, single submitter. Criteria: ACMG Guidelines, 2015. Collection method: clinical testing. Allele origin: germline.

PreventionGenetics, part of Exact Sciences
Classification: Likely benign for DLL1-related condition. Last evaluated: 2019-08-09. Review status: no assertion criteria provided. Collection method: clinical testing. Allele origin: germline. Not counted in ClinVar's aggregate classification.
Comment: This variant is classified as likely benign based on ACMG/AMP sequence variant interpretation guidelines (Richards et al. 2015 PMID: 25741868, with internal and published modifications).

NM_005618.4(DLL1):c.1866C>T (p.His622=)

Gene: DLL1 (delta like canonical Notch ligand 1; minus strand). Cytogenetic location: 6q27.
Variant type: single nucleotide variant.
Coding change: c.1866C>T on transcript NM_005618.4 (MANE Select); coding-DNA position 1866, C replaced by T.
Protein change: p.His622=; no amino-acid change (histidine 622 retained).
Molecular consequence: synonymous variant.
Genome position (GRCh38, 1-based): chr6:170,283,413, G>A on the plus strand (C>T on the coding strand, the complement: DLL1 is on the minus strand). VCF-style: chr6-170283413-G-A. GRCh37 (hg19) VCF-style: chr6-170592501-G-A.
Identifiers: ClinVar variation 722088 (VCV000722088.34), dbSNP rs142937538, ClinGen allele CA4106701.
Genomic context (GRCh38, chr6:170,283,413, plus strand): 5'-GTTATAGTCCACCGCTGGGTAGCGGGCCTTGAAGCCATTCTTGTCGGCGCTGTGGTCCCC[G>A]TGGAAGTCCGCCTTCTTGTTGGTGTTCTTGATCTGCGTGGCCCCGATGATGCTGACTGAG-3'
Protein context (NP_005609.3, residues 612-632): IKNTNKKADF[His622=]GDHSADKNGF